The following is an entry in ClinVar:

NM_019119.5(PCDHB9):c.1200T>C (p.Phe400=)

Genes: PCDHB9 (protocadherin beta 9; plus strand), PCDHB@ (protocadherin beta cluster; plus strand). Cytogenetic location: 5q31.3.
Variant type: single nucleotide variant.
Coding change: c.1200T>C on transcript NM_019119.5 (MANE Select); coding-DNA position 1200, T replaced by C.
Protein change: p.Phe400=; no amino-acid change (phenylalanine 400 retained).
Molecular consequence: synonymous variant.
Genome position (GRCh38, 1-based): chr5:141,188,518, T>C. VCF-style: chr5-141188518-T-C. GRCh37 (hg19) VCF-style: chr5-140568091-T-C.
Identifiers: ClinVar variation 2655827 (VCV002655827.24), dbSNP rs782800975, ClinGen allele CA3460973.
Genomic context (GRCh38, chr5:141,188,518, plus strand): 5'-GACAATTTGCTATGTTCAAGATAATCTGCCTTTTTTTCTGAAACCGTCTGTTGACAATTT[T>C]TACATCCTAATGACTGAAGGTGCACTGGACAGAGAGAGCAAAGCTGAGTACAACATCACC-3'
Protein context (NP_061992.3, residues 390-410): PFFLKPSVDN[Phe400=]YILMTEGALD

ClinVar aggregate classification (germline): Likely benign (1 of 4 stars; one submission).

Allele frequency attached by ClinVar (database versions not stated): ExAC 0.00004.

Submission:

CeGaT Center for Human Genetics Tuebingen
Classification: Likely benign. Last evaluated: 2022-07-01. Review status: criteria provided, single submitter. Criteria: CeGaT Center For Human Genetics Tuebingen Variant Classification Criteria Version 2. Collection method: clinical testing. Allele origin: germline. Affected: yes. Observed: 1 variant allele.
Comment: PCDHB9: BP4, BP7